The following is an entry in ClinVar:

NM_017999.5(RNF31):c.1507G>T (p.Ala503Ser)

Gene: RNF31 (ring finger protein 31; plus strand). Cytogenetic location: 14q12.
Variant type: single nucleotide variant.
Coding change: c.1507G>T on transcript NM_017999.5 (MANE Select); coding-DNA position 1507, G replaced by T.
Protein change: p.Ala503Ser; replaces alanine 503 with serine.
Molecular consequence: missense variant.
Genome position (GRCh38, 1-based): chr14:24,151,149, G>T. VCF-style: chr14-24151149-G-T. GRCh37 (hg19) VCF-style: chr14-24620358-G-T.
Other names: c.1507G>T (NM_017999.4); c.1054G>T, p.Ala352Ser (NM_001310332.2); short protein forms A352S, A503S.
Identifiers: ClinVar variation 1435569 (VCV001435569.9), dbSNP rs184041158, ClinGen allele CA7125814.

ClinVar aggregate classification (germline): Uncertain significance. Review status: criteria provided, multiple submitters, no conflicts (2 of 4 stars). 2 submissions from 2 submitters: Uncertain significance (2). Last evaluated 2025-12-22.

Allele frequency attached by ClinVar (database versions not stated): 1000 Genomes Project 30x 0.00016; 1000 Genomes Project 0.00020; ESP Exome Variant Server 0.00024.

Submissions (2):

Labcorp Genetics (formerly Invitae), Labcorp
Classification: Uncertain significance. Last evaluated: 2025-12-22. Review status: criteria provided, single submitter. Criteria: Invitae Variant Classification Sherloc (09022015). Collection method: clinical testing. Allele origin: germline.
Comment: This sequence change replaces alanine, which is neutral and non-polar, with serine, which is neutral and polar, at codon 503 of the RNF31 protein (p.Ala503Ser). This variant is present in population databases (rs184041158, gnomAD 0.009%). This variant has not been reported in the literature in individuals affected with RNF31-related conditions. ClinVar contains an entry for this variant (Variation ID: 1435569). An algorithm developed to predict the effect of missense changes on protein structure and function (PolyPhen-2) suggests that this variant is likely to be tolerated. In summary, the available evidence is currently insufficient to determine the role of this variant in disease. Therefore, it has been classified as a Variant of Uncertain Significance.

Ambry Genetics
Classification: Uncertain significance. Last evaluated: 2023-11-02. Review status: criteria provided, single submitter. Criteria: Ambry Variant Classification Scheme 2023. Collection method: clinical testing. Allele origin: germline.